The following is an entry in ClinVar:

NM_004006.3(DMD):c.5932C>G (p.Arg1978Gly)

Gene: DMD (dystrophin; minus strand). Cytogenetic location: Xp21.1.
Variant type: single nucleotide variant.
Coding change: c.5932C>G on transcript NM_004006.3 (MANE Select); coding-DNA position 5932, C replaced by G.
Protein change: p.Arg1978Gly; replaces arginine 1978 with glycine.
Molecular consequence: missense variant.
Genome position (GRCh38, 1-based): chrX:32,310,267, G>C on the plus strand (C>G on the coding strand, the complement: DMD is on the minus strand). VCF-style: chrX-32310267-G-C. GRCh37 (hg19) VCF-style: chrX-32328384-G-C.
Other names: c.5908C>G, p.Arg1970Gly (NM_000109.4); c.5920C>G, p.Arg1974Gly (NM_004009.3); c.5563C>G, p.Arg1855Gly (NM_004010.3); c.1909C>G, p.Arg637Gly (NM_004011.4); c.1900C>G, p.Arg634Gly (NM_004012.4); short protein forms R637G, R1974G, R634G, R1855G, R1978G, R1970G.
Identifiers: ClinVar variation 1486071 (VCV001486071.8), dbSNP rs2097557042, ClinGen allele CA412670257.

ClinVar aggregate classification (germline): Uncertain significance (1 of 4 stars; one submission).

Conditions:
Duchenne muscular dystrophy (DMD). Also called: Duchenne Muscular Dystrophy (DMD); MUSCULAR DYSTROPHY, PSEUDOHYPERTROPHIC PROGRESSIVE, DUCHENNE TYPE. Identifiers: Orphanet 98896, MedGen C0013264, MONDO:0010679, OMIM 310200.

Submission:

Labcorp Genetics (formerly Invitae), Labcorp
Classification: Uncertain significance for Duchenne muscular dystrophy. Last evaluated: 2023-12-09. Review status: criteria provided, single submitter. Criteria: Invitae Variant Classification Sherloc (09022015). Collection method: clinical testing. Allele origin: germline.
Comment: This sequence change replaces arginine, which is basic and polar, with glycine, which is neutral and non-polar, at codon 1978 of the DMD protein (p.Arg1978Gly). This variant is not present in population databases (gnomAD no frequency). This variant has not been reported in the literature in individuals affected with DMD-related conditions. ClinVar contains an entry for this variant (Variation ID: 1486071). Advanced modeling of protein sequence and biophysical properties (such as structural, functional, and spatial information, amino acid conservation, physicochemical variation, residue mobility, and thermodynamic stability) performed at Invitae indicates that this missense variant is not expected to disrupt DMD protein function with a negative predictive value of 95%. In summary, the available evidence is currently insufficient to determine the role of this variant in disease. Therefore, it has been classified as a Variant of Uncertain Significance.